The following is an entry in ClinVar:

ClinVar aggregate classification (germline): Likely benign. Review status: criteria provided, multiple submitters, no conflicts (2 of 4 stars). 2 submissions from 2 submitters: Likely benign (2). Last evaluated 2023-08-15.

Conditions:
Arrhythmogenic cardiomyopathy with wooly hair and keratoderma. Also called: PALMOPLANTAR KERATODERMA WITH LEFT VENTRICULAR CARDIOMYOPATHY AND WOOLLY HAIR; Carvajal syndrome; Dilated cardiomyopathy with woolly hair and keratoderma; Arrhythmogenic cardiomyopathy with woolly hair and keratoderma. Identifiers: Orphanet 65282, MedGen C1854063, MONDO:0011581, OMIM 605676.
Cardiomyopathy (CMYO). Also called: Cardiomyopathies. Identifiers: Orphanet 167848, MedGen C0878544, MONDO:0004994, HP:0001638. Inheritance: Various modes of inheritance.

Submissions (2):

All of Us Research Program, National Institutes of Health
Classification: Likely benign for Arrhythmogenic cardiomyopathy with wooly hair and keratoderma. Last evaluated: 2023-08-15. Review status: criteria provided, single submitter. Criteria: ACMG Guidelines, 2015. Collection method: clinical testing. Allele origin: germline. Inheritance: Autosomal dominant inheritance. Observed: 1 variant allele, 1 heterozygote.
Comment: This study involves interpretation of variants in research participants for the purpose of population health screening. Participant phenotype was not available at the time of variant classification. Additional details can be found in publication PMID: 35346344, PMCID: PMC8962531

Color Diagnostics, LLC DBA Color Health
Classification: Likely benign for Cardiomyopathy. Last evaluated: 2023-08-09. Review status: criteria provided, single submitter. Criteria: ACMG Guidelines, 2015. Collection method: clinical testing. Allele origin: germline.

NM_004415.4(DSP):c.7659C>T (p.Ser2553=)

Gene: DSP (desmoplakin; plus strand). Cytogenetic location: 6p24.3.
Variant type: single nucleotide variant.
Coding change: c.7659C>T on transcript NM_004415.4 (MANE Select); coding-DNA position 7659, C replaced by T.
Protein change: p.Ser2553=; no amino-acid change (serine 2553 retained).
Molecular consequence: synonymous variant.
Genome position (GRCh38, 1-based): chr6:7,584,921, C>T. VCF-style: chr6-7584921-C-T. GRCh37 (hg19) VCF-style: chr6-7585154-C-T.
Other names: c.5862C>T, p.Ser1954= (NM_001008844.3); c.6330C>T, p.Ser2110= (NM_001319034.2).
Identifiers: ClinVar variation 3073023 (VCV003073023.2), dbSNP rs2533947346, ClinGen allele CA448716997.